The following is an entry in ClinVar:

NM_001172303.3(MASTL):c.1423A>G (p.Asn475Asp)

Gene: MASTL (microtubule associated serine/threonine kinase like; plus strand). Cytogenetic location: 10p12.1.
Variant type: single nucleotide variant.
Coding change: c.1423A>G on transcript NM_001172303.3 (MANE Select); coding-DNA position 1423, A replaced by G.
Protein change: p.Asn475Asp; replaces asparagine 475 with aspartic acid.
Molecular consequence: missense variant. On other transcripts: non-coding transcript variant (1).
Genome position (GRCh38, 1-based): chr10:27,170,382, A>G. VCF-style: chr10-27170382-A-G. GRCh37 (hg19) VCF-style: chr10-27459311-A-G.
Other names: c.1423A>G, p.Asn475Asp (NM_001172304.3, NM_001320756.2, NM_001320757.2 and 1 more transcripts); c.940A>G, p.Asn314Asp (NM_001372029.1, NM_001372030.1); short protein forms N314D, N475D.
Identifiers: ClinVar variation 2633960 (VCV002633960.1), dbSNP rs2539708321, ClinGen allele CA376386381.

ClinVar aggregate classification (germline): Uncertain significance (1 of 4 stars; one submission).

Conditions:
MASTL-related disorder. Also called: MASTL-related condition.

Allele frequency attached by ClinVar (database versions not stated): gnomAD exomes below 0.00001.
gnomAD v4.1: 1 of 1,614,024 alleles (0.000062%); highest among the groups gnomAD compares: Non-Finnish European, 0.000085%; no homozygotes.

Submission:

PreventionGenetics, part of Exact Sciences
Classification: Uncertain significance for MASTL-related condition. Last evaluated: 2023-09-29. Review status: criteria provided, single submitter. Criteria: ACMG Guidelines, 2015. Collection method: clinical testing. Allele origin: germline.
Comment: The MASTL c.1423A>G variant is predicted to result in the amino acid substitution p.Asn475Asp. To our knowledge, this variant has not been reported in the literature or in a large population database, indicating this variant is rare. At this time, the clinical significance of this variant is uncertain due to the absence of conclusive functional and genetic evidence.